The following is an entry in ClinVar:

ClinVar aggregate classification (germline): Uncertain significance (1 of 4 stars; one submission).

Conditions:
Gastrointestinal stromal tumor. Also called: Gastrointestinal stroma tumor; Gastrointestinal stromal tumor, somatic. Identifiers: Orphanet 44890, MedGen C0238198, MeSH D046152, MONDO:0011719, OMIM 606764, HP:0100723.

Submission:

Labcorp Genetics (formerly Invitae), Labcorp
Classification: Uncertain significance for Gastrointestinal stromal tumor. Last evaluated: 2021-08-17. Review status: criteria provided, single submitter. Criteria: Invitae Variant Classification Sherloc (09022015). Collection method: clinical testing. Allele origin: germline.
Comment: This variant has not been reported in the literature in individuals affected with KIT-related conditions. In summary, the available evidence is currently insufficient to determine the role of this variant in disease. Therefore, it has been classified as a Variant of Uncertain Significance. Algorithms developed to predict the effect of missense changes on protein structure and function are either unavailable or do not agree on the potential impact of this missense change (SIFT: "Tolerated"; PolyPhen-2: "Possibly Damaging"; Align-GVGD: "Class C0"). This variant is not present in population databases (ExAC no frequency). This sequence change replaces valine with glycine at codon 301 of the KIT protein (p.Val301Gly). The valine residue is moderately conserved and there is a moderate physicochemical difference between valine and glycine.

NM_000222.3(KIT):c.902T>G (p.Val301Gly)

Gene: KIT (KIT proto-oncogene, receptor tyrosine kinase; plus strand). Cytogenetic location: 4q12.
Variant type: single nucleotide variant.
Coding change: c.902T>G on transcript NM_000222.3 (MANE Select); coding-DNA position 902, T replaced by G.
Protein change: p.Val301Gly; replaces valine 301 with glycine.
Molecular consequence: missense variant.
Genome position (GRCh38, 1-based): chr4:54,703,869, T>G. VCF-style: chr4-54703869-T-G. GRCh37 (hg19) VCF-style: chr4-55570035-T-G.
Other names: c.902T>G, p.Val301Gly (NM_001093772.2, NM_001385285.1, NM_001385286.1); c.905T>G, p.Val302Gly (NM_001385284.1, NM_001385288.1, NM_001385290.1 and 1 more transcripts); short protein forms V302G, V301G.
Identifiers: ClinVar variation 1395973 (VCV001395973.6), dbSNP rs759119367, ClinGen allele CA356900125.
Genomic context (GRCh38, chr4:54,703,869, plus strand): 5'-GAGTTAATGATTCTGGAGTGTTCATGTGTTATGCCAATAATACTTTTGGATCAGCAAATG[T>G]CACAACAACCTTGGAAGTAGTAGGTAAATACCTCTATGGGAATGTTTAAATTACTGGCAG-3'
Protein context (NP_000213.1, residues 291-311): YANNTFGSAN[Val301Gly]TTTLEVVDKG